The following is an entry in ClinVar:

ClinVar aggregate classification (germline): Uncertain significance (1 of 4 stars; one submission).

Conditions:
Hereditary cancer-predisposing syndrome. Also called: Tumor predisposition; Hereditary Cancer Syndrome; Neoplastic Syndromes, Hereditary; Hereditary neoplastic syndrome. Identifiers: Orphanet 140162, MedGen C0027672, MeSH D009386, MONDO:0015356.

Submission:

Molecular Diagnostics Laboratory, Catalan Institute of Oncology
Classification: Uncertain significance for Hereditary cancer-predisposing syndrome. Last evaluated: 2024-11-24. Review status: criteria provided, single submitter. Criteria: ClinGen ACMG Specifications PALB2 V1.0.0. Collection method: clinical testing. Allele origin: germline.
Comment: PM2_Supporting, BP1 c.2330A>T, located in exon 5 of the PALB2 gene, is predicted to result in the substitution of asparagine by valine at codon 777, p.(Asp777Val). It is a missense variant in a gene for which primarily truncating variants are known to cause disease (BP1). It is not present in the population database gnomAD v2.1.1, non-cancer dataset (PM2_supporting). SpliceAI algorithm predicts no significant impact on splicing. To our knowledge, neither relevant clinical data nor well-established functional studies have been reported for this variant. Also, the variant has not been reported in ClinVar or in LOVD databases. Based on currently available information, the variant c.2330A>T should be considered an uncertain significance variant, according to ClinGen Hereditary Breast, Ovarian and Pancreatic Cancer Expert Panel Specifications to the ACMG/AMP Variant Interpretation Guidelines for PALB2 Version 1.0.0.

NM_024675.4(PALB2):c.2330A>T (p.Asp777Val)

Gene: PALB2 (partner and localizer of BRCA2; minus strand). Cytogenetic location: 16p12.2.
Variant type: single nucleotide variant.
Coding change: c.2330A>T on transcript NM_024675.4 (MANE Select); coding-DNA position 2330, A replaced by T.
Protein change: p.Asp777Val; replaces aspartic acid 777 with valine.
Molecular consequence: missense variant. On other transcripts: intron variant (1).
Genome position (GRCh38, 1-based): chr16:23,629,824, T>A on the plus strand (A>T on the coding strand, the complement: PALB2 is on the minus strand). VCF-style: chr16-23629824-T-A. GRCh37 (hg19) VCF-style: chr16-23641145-T-A.
Other names: c.1445A>T, p.Asp482Val (NM_001407304.1, NM_001407305.1, NM_001407306.1 and 5 more transcripts); c.542A>T, p.Asp181Val (NM_001407312.1, NM_001407313.1); c.49-549A>T (NM_001407314.1); c.2270A>T, p.Asp757Val (NM_001407296.1); c.2330A>T, p.Asp777Val (NM_001407297.1, NM_001407298.1, NM_001407299.1 and 3 more transcripts); short protein forms D181V, D482V, D757V, D777V.
Identifiers: ClinVar variation 3774409 (VCV003774409.1).